The following is an entry in ClinVar:

ClinVar aggregate classification (germline): Uncertain significance (1 of 4 stars; one submission).

Conditions:
POLD1-related polyposis and colorectal cancer syndrome (CRCS10). Also called: Colorectal cancer 10; Colorectal cancer, susceptibility to, 10; COLORECTAL CANCER, SUSCEPTIBILITY TO, ON CHROMOSOME 19q. Identifiers: Orphanet 220460, MedGen C2675481, MONDO:0012953, OMIM 612591.

Submission:

Labcorp Genetics (formerly Invitae), Labcorp
Classification: Uncertain significance for POLD1-related polyposis and colorectal cancer syndrome. Last evaluated: 2024-05-06. Review status: criteria provided, single submitter. Criteria: Invitae Variant Classification Sherloc (09022015). Collection method: clinical testing. Allele origin: germline.
Comment: This sequence change creates a premature translational stop signal (p.Ala152Hisfs*14) in the POLD1 gene. Missense variants that disrupt the 3'-5' exonuclease (proof-reading) activity of the POLD1 protein are associated with PPAP (polymerase proofreading–associated polyposis) (PMID: 23263490, 23447401). However, loss-of-function variants that result in an absent or severely disrupted POLD1 protein, and missense variants outside the exonuclease domain, are unlikely to be associated with PPAP. This variant is not present in population databases (gnomAD no frequency). This variant has not been reported in the literature in individuals affected with POLD1-related conditions. In summary, the available evidence is currently insufficient to determine the role of this variant in disease. Therefore, it has been classified as a Variant of Uncertain Significance.

Literature cited by the submitters: PubMed 23263490; PubMed 23447401.

NM_002691.4(POLD1):c.447_453dup (p.Ala152fs)

Gene: POLD1 (DNA polymerase delta 1, catalytic subunit; plus strand). Cytogenetic location: 19q13.33.
Variant type: Duplication.
Coding change: c.447_453dup on transcript NM_002691.4 (MANE Select); coding-DNA positions 447 to 453, 7 bases duplicated (CACCCCA; older notation c.447_453dupCACCCCA).
Protein change: p.Ala152fs; shifts the reading frame from alanine 152.
Molecular consequence: frameshift variant. On other transcripts: non-coding transcript variant (1).
Genome position (GRCh38, 1-based): chr19:50,401,908-50,401,914, CACCCCA duplicated; duplicating any 7 consecutive bases within chr19:50,401,907-50,401,914 gives the same sequence; the c. name uses the placement nearest the transcript's 3' end. VCF-style (leftmost placement, unchanged base first): chr19-50401906-T-TACACCCC. GRCh37 (hg19) VCF-style: chr19-50905163-T-TACACCCC.
Other names: c.447_453dup, p.Ala152fs (NM_001256849.1, NM_001308632.1); short protein forms A152fs.
Identifiers: ClinVar variation 2759296 (VCV002759296.3), dbSNP rs2513956634, ClinGen allele CA2697556664.